The following is an entry in ClinVar:

ClinVar aggregate classification (germline): Conflicting classifications of pathogenicity. Review status: criteria provided, conflicting classifications (1 of 4 stars). 4 submissions from 4 submitters: Uncertain significance (1); Likely benign (2). 1 of the submissions does not count toward it. Last evaluated 2026-01-01.

Conditions:
RELN-related disorder. Also called: RELN-related condition.

Submissions (4):

CeGaT Center for Human Genetics Tuebingen
Classification: Likely benign. Last evaluated: 2026-01-01. Review status: criteria provided, single submitter. Criteria: CeGaT Center For Human Genetics Tuebingen Variant Classification Criteria Version 2. Collection method: clinical testing. Allele origin: germline. Affected: yes. Observed: 1 variant allele.
Comment: RELN: BP4, BS1

Blueprint Genetics
Classification: Likely benign. Last evaluated: 2024-11-20. Review status: criteria provided, single submitter. Criteria: ACMG Guidelines, 2015. Collection method: clinical testing. Allele origin: germline.

Genetic Services Laboratory, University of Chicago
Classification: Uncertain significance. Last evaluated: 2016-01-12. Review status: criteria provided, single submitter. Criteria: ACMG Guidelines, 2015. Collection method: clinical testing. Allele origin: germline. Affected: no.

PreventionGenetics, part of Exact Sciences
Classification: Likely benign for RELN-related condition. Last evaluated: 2023-12-24. Review status: no assertion criteria provided. Collection method: clinical testing. Allele origin: germline. Not counted in ClinVar's aggregate classification.
Comment: This variant is classified as likely benign based on ACMG/AMP sequence variant interpretation guidelines (Richards et al. 2015 PMID: 25741868, with internal and published modifications).

NM_005045.4(RELN):c.-24GGC[15] (p.Met1_Glu2insGlyGlyGlyGlyGlyGlyGly)

Gene: RELN (reelin; minus strand). Cytogenetic location: 7q22.1.
Variant type: Microsatellite.
Coding change: c.-24GGC[15] on transcript NM_005045.4 (MANE Select); 15 copies in a row of the 3-base unit GGC starting at c.-24; the reference has eight copies in a row; seven copies, 21 bases duplicated.
Protein change: p.Met1_Glu2insGlyGlyGlyGlyGlyGlyGly.
Molecular consequence: inframe insertion.
Genome position (GRCh38, 1-based): chr7:103,989,357-103,989,377, GCCGCCGCCGCCGCCGCCGCC duplicated on the plus strand (GGCGGCGGCGGCGGCGGCGGC on the coding strand, the reverse complement: RELN is on the minus strand); duplicating any 21 consecutive bases within chr7:103,989,357-103,989,382 gives the same sequence; the position shown is the placement nearest the transcript's 3' end. VCF-style (leftmost placement, unchanged base first): chr7-103989356-T-TGCCGCCGCCGCCGCCGCCGCC. GRCh37 (hg19) VCF-style: chr7-103629803-T-TGCCGCCGCCGCCGCCGCCGCC.
Other names: c.-24GGC[15], p.Met1_Glu2insGlyGlyGlyGlyGlyGlyGly (NM_173054.3).
Identifiers: ClinVar variation 358427 (VCV000358427.16), dbSNP rs55656324, ClinGen allele CA10624976.
Genomic context (GRCh38, chr7:103,989,356, plus strand): 5'-GCGTCGCCCCCAGCAACAGCGCTAGGAGGAAAGTCTGCCGGGCCCAGCCACTGCGCTCCA[T>TGCCGCCGCCGCCGCCGCCGCC]GCCGCCGCCGCCGCCGCCGCCGCCGCGCGCCCTACGCGCCGCTCGCTCATTCAGTTTTGG-3'